The following is an entry in ClinVar:

NM_197968.4(ZMYM2):c.1648C>T (p.Gln550Ter)

Gene: ZMYM2 (zinc finger MYM-type containing 2; plus strand). Cytogenetic location: 13q12.11.
Variant type: single nucleotide variant.
Coding change: c.1648C>T on transcript NM_197968.4 (MANE Select); coding-DNA position 1648, C replaced by T.
Protein change: p.Gln550Ter; replaces glutamine 550 with a stop codon.
Molecular consequence: nonsense. On other transcripts: non-coding transcript variant (1).
Genome position (GRCh38, 1-based): chr13:20,026,675, C>T. VCF-style: chr13-20026675-C-T. GRCh37 (hg19) VCF-style: chr13-20600815-C-T.
Other names: c.1648C>T, p.Gln550Ter (NM_001190964.4, NM_001190965.4, NM_001353157.2 and 5 more transcripts); c.1453C>T, p.Gln485Ter (NM_001353161.3); c.1387C>T, p.Gln463Ter (NM_001353163.2); short protein forms Q550*, Q463*, Q485*.
Identifiers: ClinVar variation 1455391 (VCV001455391.6), dbSNP rs2140254268, ClinGen allele CA387672331.
Genomic context (GRCh38, chr13:20,026,675, plus strand): 5'-TATGGAAAACTGACAACTTGTACTGGTTGCCGAACACAGTGCAGGTTTTTTGATATGACT[C>T]AGTGTATAGGTCCTAATGGATATATGGAGCCATATTGTTCAACTGCTTGTATGAACAGTC-3'

ClinVar aggregate classification (germline): Pathogenic (1 of 4 stars; one submission).

Submission:

Labcorp Genetics (formerly Invitae), Labcorp
Classification: Pathogenic. Last evaluated: 2021-05-07. Review status: criteria provided, single submitter. Criteria: Invitae Variant Classification Sherloc (09022015). Collection method: clinical testing. Allele origin: germline.
Comment: This sequence change creates a premature translational stop signal (p.Gln550*) in the ZMYM2 gene. It is expected to result in an absent or disrupted protein product. Loss-of-function variants in ZMYM2 are known to be pathogenic (PMID: 32891193). This variant is not present in population databases (ExAC no frequency). This variant has not been reported in the literature in individuals with ZMYM2-related conditions. For these reasons, this variant has been classified as Pathogenic.

Literature cited by the submitters: PubMed 32891193.